The following is an entry in ClinVar:

ClinVar aggregate classification (germline): Benign (1 of 4 stars; one submission).

Conditions:
Fibrous dysplasia of jaw (CRBM). Also called: Cherubism. Identifiers: Orphanet 184, MedGen C0008029, MONDO:0007315, OMIM 118400.

Allele frequency attached by ClinVar (database versions not stated): gnomAD 0.01572 and 0.01691; 1000 Genomes Project 0.01637; 1000 Genomes Project 30x 0.01686; TOPMed 0.01759.

Submission:

Illumina Laboratory Services, Illumina
Classification: Benign for Fibrous dysplasia of jaw. Last evaluated: 2018-01-13. Review status: criteria provided, single submitter. Criteria: ICSL Variant Classification Criteria 13 December 2019. Collection method: clinical testing. Allele origin: germline.
Comment: This variant was observed in the ICSL laboratory as part of a predisposition screen in an ostensibly healthy population. It had not been previously curated by ICSL or reported in the Human Gene Mutation Database (HGMD: prior to June 1st, 2018), and was therefore a candidate for classification through an automated scoring system. Utilizing variant allele frequency, disease prevalence and penetrance estimates, and inheritance mode, an automated score was calculated to assess if this variant is too frequent to cause the disease. Based on the score and internal cut-off values, a variant classified as benign is not then subjected to further curation. The score for this variant resulted in a classification of benign for this disease.

NM_001122681.2(SH3BP2):c.*1420C>T

Gene: SH3BP2 (SH3 domain binding protein 2; plus strand). Cytogenetic location: 4p16.3.
Variant type: single nucleotide variant.
Coding change: c.*1420C>T on transcript NM_001122681.2 (MANE Select); 1420 bases downstream of the stop codon, C replaced by T.
Molecular consequence: 3 prime UTR variant.
Genome position (GRCh38, 1-based): chr4:2,835,254, C>T. VCF-style: chr4-2835254-C-T. GRCh37 (hg19) VCF-style: chr4-2836981-C-T.
Other names: c.*1420C>T (LRG_1334t2, LRG_1334t1, NM_001145855.2 and 2 more transcripts).
Identifiers: ClinVar variation 348615 (VCV000348615.5), dbSNP rs56100883, ClinGen allele CA10620915.